The following is an entry in ClinVar:

NM_003074.4(SMARCC1):c.2688A>G (p.Val896=)

Gene: SMARCC1 (SWI/SNF related BAF chromatin remodeling complex subunit C1; minus strand). Cytogenetic location: 3p21.31.
Variant type: single nucleotide variant.
Coding change: c.2688A>G on transcript NM_003074.4 (MANE Select); coding-DNA position 2688, A replaced by G.
Protein change: p.Val896=; no amino-acid change (valine 896 retained).
Molecular consequence: synonymous variant.
Genome position (GRCh38, 1-based): chr3:47,622,300, T>C on the plus strand (A>G on the coding strand, the complement: SMARCC1 is on the minus strand). VCF-style: chr3-47622300-T-C. GRCh37 (hg19) VCF-style: chr3-47663790-T-C.
Identifiers: ClinVar variation 4874344 (VCV004874344.2).

ClinVar aggregate classification (germline): Likely benign (1 of 4 stars; one submission).

gnomAD v4.1: 12 of 1,612,958 alleles (0.00074%); highest among the groups gnomAD compares: Admixed American, 0.02%; no homozygotes.

Submission:

CeGaT Center for Human Genetics Tuebingen
Classification: Likely benign. Last evaluated: 2026-04-01. Review status: criteria provided, single submitter. Criteria: CeGaT Center For Human Genetics Tuebingen Variant Classification Criteria Version 2. Collection method: clinical testing. Allele origin: germline. Affected: yes. Observed: 1 variant allele.
Comment: SMARCC1: BP4, BP7